The following is an entry in ClinVar:

NM_001142966.3(GREB1L):c.4895C>A (p.Pro1632Gln)

Gene: GREB1L (GREB1 like retinoic acid receptor coactivator; plus strand). Cytogenetic location: 18q11.2.
Variant type: single nucleotide variant.
Coding change: c.4895C>A on transcript NM_001142966.3 (MANE Select); coding-DNA position 4895, C replaced by A.
Protein change: p.Pro1632Gln; replaces proline 1632 with glutamine.
Molecular consequence: missense variant.
Genome position (GRCh38, 1-based): chr18:21,513,980, C>A. VCF-style: chr18-21513980-C-A. GRCh37 (hg19) VCF-style: chr18-19093941-C-A.
Other names: c.5024C>A, p.Pro1675Gln (NM_001410867.1); c.4568C>A, p.Pro1523Gln (NM_001410868.1); short protein forms P1632Q, P1523Q, P1675Q.
Identifiers: ClinVar variation 5002261 (VCV005002261.1).
Genomic context (GRCh38, chr18:21,513,980, plus strand): 5'-CTTTCATCGTCATGATGGATGACTCATGTGTCCTATGGAACATTCACAGTGTTCAGGAGC[C>A]ATCCAGGTAGACTTCCAAGCTGGGGGCGTATGACACAATGCTATAGACAGGACAATACAT-3'
Protein context (NP_001136438.1, residues 1622-1642): VLWNIHSVQE[Pro1632Gln]SSQPMEVGVS

ClinVar aggregate classification (germline): Uncertain significance (1 of 4 stars; one submission).

Conditions:
GREB1L-related disorder. Also called: GREB1L-related condition.

Submission:

PreventionGenetics, part of Exact Sciences
Classification: Uncertain significance for GREB1L-related condition. Last evaluated: 2025-01-28. Review status: criteria provided, single submitter. Criteria: ACMG Guidelines, 2015. Collection method: clinical testing. Allele origin: germline.
Comment: The GREB1L c.4895C>A variant is predicted to result in the amino acid substitution p.Pro1632Gln. To our knowledge, this variant has not been reported in the literature or in a large population database (gnomAD), indicating this variant is rare. At this time, the clinical significance of this variant is uncertain due to the absence of conclusive functional and genetic evidence.